The following is an entry in ClinVar:

ClinVar aggregate classification (germline): Benign/Likely benign. Review status: criteria provided, multiple submitters, no conflicts (2 of 4 stars). 3 submissions from 3 submitters: Benign (2); Likely benign (1). Last evaluated 2023-10-01.

Allele frequency attached by ClinVar (database versions not stated): 1000 Genomes Project 0.00220; 1000 Genomes Project 30x 0.00265; gnomAD 0.00277 and 0.00282; TOPMed 0.00298; ExAC 0.00319; gnomAD exomes 0.00344 and 0.00373; ESP Exome Variant Server 0.00354.
gnomAD v4.1: 5,922 of 1,614,060 alleles (0.37%); highest among the groups gnomAD compares: Non-Finnish European, 0.42%; 19 homozygotes.

Submissions (3):

CeGaT Center for Human Genetics Tuebingen
Classification: Likely benign. Last evaluated: 2023-10-01. Review status: criteria provided, single submitter. Criteria: CeGaT Center For Human Genetics Tuebingen Variant Classification Criteria Version 2. Collection method: clinical testing. Allele origin: germline. Affected: yes. Observed: 7 variant alleles.
Comment: CMAS: BP4, BP7, BS2

Labcorp Genetics (formerly Invitae), Labcorp
Classification: Benign. Last evaluated: 2019-12-31. Review status: criteria provided, single submitter. Criteria: Invitae Variant Classification Sherloc (09022015). Collection method: clinical testing. Allele origin: germline.

Breakthrough Genomics
Classification: Benign. Review status: criteria provided, single submitter. Criteria: ACMG Guidelines, 2015. Collection method: not provided. Allele origin: germline. Inheritance: Unknown mechanism. Affected: yes.

NM_018686.6(CMAS):c.1209C>T (p.Tyr403=)

Gene: CMAS (cytidine monophosphate N-acetylneuraminic acid synthetase; plus strand). Cytogenetic location: 12p12.1.
Variant type: single nucleotide variant.
Coding change: c.1209C>T on transcript NM_018686.6 (MANE Select); coding-DNA position 1209, C replaced by T.
Protein change: p.Tyr403=; no amino-acid change (tyrosine 403 retained).
Molecular consequence: synonymous variant. On other transcripts: non-coding transcript variant (1).
Genome position (GRCh38, 1-based): chr12:22,065,215, C>T. VCF-style: chr12-22065215-C-T. GRCh37 (hg19) VCF-style: chr12-22218149-C-T.
Identifiers: ClinVar variation 790461 (VCV000790461.29), dbSNP rs146887115, ClinGen allele CA6482234.